The following is an entry in ClinVar:

NM_000222.3(KIT):c.2089C>T (p.His697Tyr)

Gene: KIT (KIT proto-oncogene, receptor tyrosine kinase; plus strand). Cytogenetic location: 4q12.
Variant type: single nucleotide variant.
Coding change: c.2089C>T on transcript NM_000222.3 (MANE Select); coding-DNA position 2089, C replaced by T.
Protein change: p.His697Tyr; replaces histidine 697 with tyrosine.
Molecular consequence: missense variant.
Genome position (GRCh38, 1-based): chr4:54,729,433, C>T. VCF-style: chr4-54729433-C-T. GRCh37 (hg19) VCF-style: chr4-55595599-C-T.
Other names: c.2077C>T, p.His693Tyr (NM_001093772.2, NM_001385286.1); c.2092C>T, p.His698Tyr (NM_001385284.1, NM_001385290.1); c.2089C>T, p.His697Tyr (NM_001385285.1); c.2080C>T, p.His694Tyr (NM_001385288.1, NM_001385292.1); short protein forms H697Y, H693Y, H694Y, H698Y.
Identifiers: ClinVar variation 375925 (VCV000375925.21), dbSNP rs763308199, ClinGen allele CA2923642.

ClinVar aggregate classification (germline): Conflicting classifications of pathogenicity. Review status: criteria provided, conflicting classifications (1 of 4 stars). 6 submissions from 6 submitters: Uncertain significance (4); Benign (1); Likely benign (1). Last evaluated 2026-05-29.

Conditions:
Gastrointestinal stromal tumor. Also called: Gastrointestinal stromal tumor, somatic; Gastrointestinal stroma tumor. Identifiers: Orphanet 44890, MedGen C0238198, MeSH D046152, MONDO:0011719, OMIM 606764, HP:0100723.
Hereditary cancer-predisposing syndrome. Also called: Tumor predisposition; Neoplastic Syndromes, Hereditary; Hereditary neoplastic syndrome; Hereditary Cancer Syndrome. Identifiers: Orphanet 140162, MedGen C0027672, MeSH D009386, MONDO:0015356.

Allele frequency attached by ClinVar (database versions not stated): ExAC 0.00002; gnomAD exomes 0.00002 and 0.00007; TOPMed 0.00003; gnomAD 0.00010.
gnomAD v4.1: 115 of 1,613,600 alleles (0.0071%); highest among the groups gnomAD compares: Non-Finnish European, 0.0086%; no homozygotes.

Submissions (6):

Myriad Genetics, Inc.
Classification: Likely benign for Gastrointestinal stromal tumor. Last evaluated: 2026-05-29. Review status: criteria provided, single submitter. Criteria: Myriad Autosomal Dominant, Autosomal Recessive and X-Linked Classification Criteria (2023). Collection method: clinical testing. Allele origin: unknown.
Comment: This variant is considered likely benign. This variant has been observed at a population frequency that is significantly greater than expected given the associated disease prevalence and penetrance.

Labcorp Genetics (formerly Invitae), Labcorp
Classification: Uncertain significance for Gastrointestinal stromal tumor. Last evaluated: 2025-12-01. Review status: criteria provided, single submitter. Criteria: Invitae Variant Classification Sherloc (09022015). Collection method: clinical testing. Allele origin: germline.
Comment: This sequence change replaces histidine, which is basic and polar, with tyrosine, which is neutral and polar, at codon 697 of the KIT protein (p.His697Tyr). This variant is present in population databases (rs763308199, gnomAD 0.006%). This variant has not been reported in the literature in individuals affected with KIT-related conditions. ClinVar contains an entry for this variant (Variation ID: 375925). An algorithm developed to predict the effect of missense changes on protein structure and function (PolyPhen-2) suggests that this variant is likely to be tolerated. In summary, the available evidence is currently insufficient to determine the role of this variant in disease. Therefore, it has been classified as a Variant of Uncertain Significance.

Ambry Genetics
Classification: Benign for Hereditary cancer-predisposing syndrome. Last evaluated: 2025-08-05. Review status: criteria provided, single submitter. Criteria: Ambry Variant Classification Scheme 2023. Collection method: clinical testing. Allele origin: germline.

Molecular Pathology, Peter Maccallum Cancer Centre
Classification: Uncertain significance for Hereditary cancer-predisposing syndrome. Last evaluated: 2025-06-10. Review status: criteria provided, single submitter. Criteria: ACMG Guidelines, 2015. Collection method: clinical testing. Allele origin: germline.

Blueprint Genetics
Classification: Uncertain significance. Last evaluated: 2024-01-10. Review status: criteria provided, single submitter. Criteria: ACMG Guidelines, 2015. Collection method: clinical testing. Allele origin: germline.

GeneDx
Classification: Uncertain significance. Last evaluated: 2023-10-30. Review status: criteria provided, single submitter. Criteria: GeneDx Variant Classification Process June 2021. Collection method: clinical testing. Allele origin: germline. Affected: yes.
Comment: In silico analysis supports that this missense variant does not alter protein structure/function; Published functional studies demonstrate inhibited growth in the presence of KIT inhibitors, suggesting a gain-of-function effect (PMID: 19861435); This variant is associated with the following publications: (PMID: 20651610, 21710245, 22357254, 20859121, 34680386, 27536065, 20859122, 19861435, 33198314, 35118329)